The following is an entry in ClinVar:

ClinVar aggregate classification (germline): Uncertain significance. Review status: criteria provided, multiple submitters, no conflicts (2 of 4 stars). 3 submissions from 3 submitters: Uncertain significance (3). Last evaluated 2023-08-08.

Conditions:
ACE-related disorder. Also called: ACE-related condition; ACE-related disorders.
Renal tubular dysgenesis. Also called: Renotubular dysgenesis. Identifiers: Orphanet 3033, MedGen C0266313, MONDO:0017609, HP:0008660.

Allele frequency attached by ClinVar (database versions not stated): TOPMed 0.00023; gnomAD exomes 0.00025; gnomAD 0.00030 and 0.00032; ExAC 0.00026; ESP Exome Variant Server 0.00038.
gnomAD v4.1: 818 of 1,613,950 alleles (0.051%); highest among the groups gnomAD compares: Non-Finnish European, 0.066%; 2 homozygotes.

Submissions (3):

PreventionGenetics, part of Exact Sciences
Classification: Uncertain significance for ACE-related condition. Last evaluated: 2023-08-08. Review status: criteria provided, single submitter. Criteria: ACMG Guidelines, 2015. Collection method: clinical testing. Allele origin: germline.
Comment: The ACE c.2932G>A variant is predicted to result in the amino acid substitution p.Val978Met. To our knowledge, this variant has not been reported in the literature. This variant is reported in 0.053% of alleles in individuals of European (Non-Finnish) descent in gnomAD. At this time, the clinical significance of this variant is uncertain due to the absence of conclusive functional and genetic evidence.

Labcorp Genetics (formerly Invitae), Labcorp
Classification: Uncertain significance. Last evaluated: 2023-02-16. Review status: criteria provided, single submitter. Criteria: Invitae Variant Classification Sherloc (09022015). Collection method: clinical testing. Allele origin: germline.
Comment: This sequence change replaces valine, which is neutral and non-polar, with methionine, which is neutral and non-polar, at codon 978 of the ACE protein (p.Val978Met). This variant is present in population databases (rs141750591, gnomAD 0.05%). This variant has not been reported in the literature in individuals affected with ACE-related conditions. ClinVar contains an entry for this variant (Variation ID: 892361). Advanced modeling of protein sequence and biophysical properties (such as structural, functional, and spatial information, amino acid conservation, physicochemical variation, residue mobility, and thermodynamic stability) has been performed at Invitae for this missense variant, however the output from this modeling did not meet the statistical confidence thresholds required to predict the impact of this variant on ACE protein function. In summary, the available evidence is currently insufficient to determine the role of this variant in disease. Therefore, it has been classified as a Variant of Uncertain Significance.

Illumina Laboratory Services, Illumina
Classification: Uncertain significance for Renal tubular dysgenesis of genetic origin. Last evaluated: 2017-04-27. Review status: criteria provided, single submitter. Criteria: ICSL Variant Classification Criteria 13 December 2019. Collection method: clinical testing. Allele origin: germline.

NM_000789.4(ACE):c.2932G>A (p.Val978Met)

Gene: ACE (angiotensin I converting enzyme; plus strand). Cytogenetic location: 17q23.3.
Variant type: single nucleotide variant.
Coding change: c.2932G>A on transcript NM_000789.4 (MANE Select); coding-DNA position 2932, G replaced by A.
Protein change: p.Val978Met; replaces valine 978 with methionine.
Molecular consequence: missense variant.
Genome position (GRCh38, 1-based): chr17:63,493,455, G>A. VCF-style: chr17-63493455-G-A. GRCh37 (hg19) VCF-style: chr17-61570816-G-A.
Other names: c.1210G>A, p.Val404Met (NM_001178057.2, NM_152830.3); short protein forms V404M, V978M.
Identifiers: ClinVar variation 892361 (VCV000892361.8), dbSNP rs141750591, ClinGen allele CA8700326.